The following is an entry in ClinVar:

NM_007126.5(VCP):c.2110G>A (p.Glu704Lys)

Gene: VCP (valosin containing protein; minus strand). Cytogenetic location: 9p13.3.
Variant type: single nucleotide variant.
Coding change: c.2110G>A on transcript NM_007126.5 (MANE Select); coding-DNA position 2110, G replaced by A.
Protein change: p.Glu704Lys; replaces glutamic acid 704 with lysine.
Molecular consequence: missense variant.
Genome position (GRCh38, 1-based): chr9:35,059,114, C>T on the plus strand (G>A on the coding strand, the complement: VCP is on the minus strand). VCF-style: chr9-35059114-C-T. GRCh37 (hg19) VCF-style: chr9-35059111-C-T.
Other names: c.1975G>A, p.Glu659Lys (NM_001354927.2, NM_001354928.2); short protein forms E659K, E704K.
Identifiers: ClinVar variation 1716921 (VCV001716921.6), dbSNP rs1323248315, ClinGen allele CA373273584.

ClinVar aggregate classification (germline): Uncertain significance (1 of 4 stars; one submission).

Conditions:
Inclusion body myopathy with Paget disease of bone and frontotemporal dementia. Also called: Inclusion body myopathy with early-onset Paget disease and frontotemporal dementia. Identifiers: Orphanet 52430, MedGen C1833662, MONDO:0000507.
Frontotemporal dementia and/or amyotrophic lateral sclerosis 6 (FTDALS6). Also called: VCP-Related Amyotrophic Lateral Sclerosis; VCP-Related Amyotrophic Lateral Sclerosis/Frontotemporal Dementia. Identifiers: Orphanet 275872, Orphanet 803, MedGen C5436279, MONDO:0013501, OMIM 613954.

Allele frequency attached by ClinVar (database versions not stated): TOPMed below 0.00001.
gnomAD v4.1: 2 of 1,614,110 alleles (0.00012%); highest among the groups gnomAD compares: Admixed American, 0.0017%; no homozygotes.

Submission:

Labcorp Genetics (formerly Invitae), Labcorp
Classification: Uncertain significance for Inclusion body myopathy with Paget disease of bone and frontotemporal dementia; Frontotemporal dementia and/or amyotrophic lateral sclerosis 6. Last evaluated: 2023-09-10. Review status: criteria provided, single submitter. Criteria: Invitae Variant Classification Sherloc (09022015). Collection method: clinical testing. Allele origin: germline.
Comment: In summary, the available evidence is currently insufficient to determine the role of this variant in disease. Therefore, it has been classified as a Variant of Uncertain Significance. Advanced modeling of protein sequence and biophysical properties (such as structural, functional, and spatial information, amino acid conservation, physicochemical variation, residue mobility, and thermodynamic stability) performed at Invitae indicates that this missense variant is not expected to disrupt VCP protein function. ClinVar contains an entry for this variant (Variation ID: 1716921). This variant has not been reported in the literature in individuals affected with VCP-related conditions. This variant is present in population databases (no rsID available, gnomAD 0.003%). This sequence change replaces glutamic acid, which is acidic and polar, with lysine, which is basic and polar, at codon 704 of the VCP protein (p.Glu704Lys).